The following is an entry in ClinVar:

ClinVar aggregate classification (germline): Pathogenic (1 of 4 stars; one submission).

Conditions:
Developmental and epileptic encephalopathy, 9 (DEE9). Also called: Early infantile epileptic encephalopathy 9; EPILEPSY, FEMALE-RESTRICTED, WITH MENTAL RETARDATION; JUBERG-HELLMAN SYNDROME; PCDH19-Related X-Linked Female-Limited Epilepsy with Mental Retardation. Identifiers: Orphanet 101039, Orphanet 2076, MedGen C1848137, MONDO:0010246, OMIM 300088. Disease mechanism: loss of function.

Submission:

Labcorp Genetics (formerly Invitae), Labcorp
Classification: Pathogenic for Developmental and epileptic encephalopathy, 9. Last evaluated: 2020-03-06. Review status: criteria provided, single submitter. Criteria: Invitae Variant Classification Sherloc (09022015). Collection method: clinical testing. Allele origin: germline.
Comment: For these reasons, this variant has been classified as Pathogenic. Loss-of-function variants in PCDH19 are known to be pathogenic (PMID: 21053371). This variant has not been reported in the literature in individuals with PCDH19-related conditions. This variant is not present in population databases (ExAC no frequency). This sequence change creates a premature translational stop signal (p.Tyr278Leufs*27) in the PCDH19 gene. It is expected to result in an absent or disrupted protein product.

Literature cited by the submitters: PubMed 21053371.

NM_001184880.2(PCDH19):c.833del (p.Tyr278fs)

Gene: PCDH19 (protocadherin 19; minus strand). Cytogenetic location: Xq22.1.
Variant type: Deletion.
Coding change: c.833del on transcript NM_001184880.2 (MANE Select); coding-DNA position 833, one base deleted (A; older notation c.833delA).
Protein change: p.Tyr278fs; shifts the reading frame from tyrosine 278.
Molecular consequence: frameshift variant.
Genome position (GRCh38, 1-based): chrX:100,407,765, T deleted on the plus strand (A on the coding strand, the reverse complement: PCDH19 is on the minus strand). VCF-style (leftmost placement, unchanged base first): chrX-100407764-AT-A. GRCh37 (hg19) VCF-style: chrX-99662762-AT-A.
Other names: c.833del, p.Tyr278fs (NM_001105243.2, NM_020766.3); short protein forms Y278fs.
Identifiers: ClinVar variation 1073149 (VCV001073149.7), dbSNP rs2147540431, ClinGen allele CA2499226255.